The following is an entry in ClinVar:

ClinVar aggregate classification (germline): Likely benign (1 of 4 stars; one submission).

Allele frequency attached by ClinVar (database versions not stated): ExAC 0.01136.

Submission:

CeGaT Center for Human Genetics Tuebingen
Classification: Likely benign. Last evaluated: 2022-10-01. Review status: criteria provided, single submitter. Criteria: CeGaT Center For Human Genetics Tuebingen Variant Classification Criteria Version 2. Collection method: clinical testing. Allele origin: germline. Affected: yes. Observed: 1 variant allele.
Comment: HRNR: BP4, BP7

NM_001009931.3(HRNR):c.6273T>C (p.Ser2091=)

Genes: CCDST (cervical cancer associated DHX9 suppressive transcript; plus strand), HRNR (hornerin; minus strand). Cytogenetic location: 1q21.3.
Variant type: single nucleotide variant.
Coding change: c.6273T>C on transcript NM_001009931.3 (MANE Select); coding-DNA position 6273, T replaced by C.
Protein change: p.Ser2091=; no amino-acid change (serine 2091 retained).
Molecular consequence: synonymous variant.
Genome position (GRCh38, 1-based): chr1:152,215,356, A>G on the plus strand (T>C on the coding strand, the complement: HRNR is on the minus strand). VCF-style: chr1-152215356-A-G. GRCh37 (hg19) VCF-style: chr1-152187832-A-G.
Identifiers: ClinVar variation 2639201 (VCV002639201.24), dbSNP rs774038437, ClinGen allele CA1100462.
Genomic context (GRCh38, chr1:152,215,356, plus strand): 5'-CTCGTGGTGACCAAAGCCAGAAGACTCGCCTAAGCCAGGCCCATGTTGGCCACTGCTGGA[A>G]GACCGACCGGAGCCAGACCCATGTCGGCCATAGCTGGGAGACTGCCTTGACCCAGACCCA-3'
Protein context (NP_001009931.1, residues 2081-2101): YGRHGSGSGR[Ser2091=]SSSGQHGPGL